The following is an entry in ClinVar:

NM_001368397.1(FRMPD4):c.2956T>C (p.Ser986Pro)

Gene: FRMPD4 (FERM and PDZ domain containing 4; plus strand). Cytogenetic location: Xp22.2.
Variant type: single nucleotide variant.
Coding change: c.2956T>C on transcript NM_001368397.1 (MANE Select); coding-DNA position 2956, T replaced by C.
Protein change: p.Ser986Pro; replaces serine 986 with proline.
Molecular consequence: missense variant.
Genome position (GRCh38, 1-based): chrX:12,717,782, T>C. VCF-style: chrX-12717782-T-C. GRCh37 (hg19) VCF-style: chrX-12735901-T-C.
Other names: c.3067T>C, p.Ser1023Pro (NM_001368395.3, NM_001368398.3); c.2962T>C, p.Ser988Pro (NM_001368396.3); c.2947T>C, p.Ser983Pro (NM_001368399.3); c.2836T>C, p.Ser946Pro (NM_001368400.3); c.2932T>C, p.Ser978Pro (NM_001368401.1, NM_001368402.3); c.2956T>C, p.Ser986Pro (NM_014728.3); short protein forms S1023P, S946P, S978P, S983P, S986P, S988P.
Identifiers: ClinVar variation 3041722 (VCV003041722.2), dbSNP rs2519858875, ClinGen allele CA412316351.

ClinVar aggregate classification (germline): Uncertain significance (0 of 4 stars; one submission).

Conditions:
FRMPD4-related disorder. Also called: FRMPD4-related condition.

Submission:

PreventionGenetics, part of Exact Sciences
Classification: Uncertain significance for FRMPD4-related condition. Last evaluated: 2023-12-06. Review status: no assertion criteria provided. Collection method: clinical testing. Allele origin: germline.
Comment: The FRMPD4 c.2956T>C variant is predicted to result in the amino acid substitution p.Ser986Pro. To our knowledge, this variant has not been reported in the literature or in a large population database, indicating this variant is rare. At this time, the clinical significance of this variant is uncertain due to the absence of conclusive functional and genetic evidence.